The following is an entry in ClinVar:

NM_024407.5(NDUFS7):c.226C>T (p.Arg76Trp)

Gene: NDUFS7 (NADH:ubiquinone oxidoreductase core subunit S7; plus strand). Cytogenetic location: 19p13.3.
Variant type: single nucleotide variant.
Coding change: c.226C>T on transcript NM_024407.5 (MANE Select); coding-DNA position 226, C replaced by T.
Protein change: p.Arg76Trp; replaces arginine 76 with tryptophan.
Molecular consequence: missense variant.
Genome position (GRCh38, 1-based): chr19:1,388,936, C>T. VCF-style: chr19-1388936-C-T. GRCh37 (hg19) VCF-style: chr19-1388935-C-T.
Other names: c.226C>T, p.Arg76Trp (NM_001363602.2); c.226C>T (NM_024407.4); short protein forms R76W.
Identifiers: ClinVar variation 2176447 (VCV002176447.5), dbSNP rs779394590, ClinGen allele CA9043149.

ClinVar aggregate classification (germline): Uncertain significance. Review status: criteria provided, multiple submitters, no conflicts (2 of 4 stars). 2 submissions from 2 submitters: Uncertain significance (2). Last evaluated 2025-12-09.

Conditions:
Inborn genetic diseases. Identifiers: MedGen C0950123, MeSH D030342.

Allele frequency attached by ClinVar (database versions not stated): gnomAD 0.00001; gnomAD exomes 0.00001; TOPMed 0.00001; 1000 Genomes Project 30x 0.00031.
gnomAD v4.1: 17 of 1,603,238 alleles (0.0011%); highest among the groups gnomAD compares: Admixed American, 0.0086%; no homozygotes.

Submissions (2):

Ambry Genetics
Classification: Uncertain significance for Inborn genetic diseases. Last evaluated: 2025-12-09. Review status: criteria provided, single submitter. Criteria: Ambry Variant Classification Scheme 2023. Collection method: clinical testing. Allele origin: germline.

Labcorp Genetics (formerly Invitae), Labcorp
Classification: Uncertain significance. Last evaluated: 2022-06-11. Review status: criteria provided, single submitter. Criteria: Invitae Variant Classification Sherloc (09022015). Collection method: clinical testing. Allele origin: germline.
Comment: Algorithms developed to predict the effect of missense changes on protein structure and function (SIFT, PolyPhen-2, Align-GVGD) all suggest that this variant is likely to be disruptive. In summary, the available evidence is currently insufficient to determine the role of this variant in disease. Therefore, it has been classified as a Variant of Uncertain Significance. This variant has not been reported in the literature in individuals affected with NDUFS7-related conditions. This variant is present in population databases (rs779394590, gnomAD 0.01%). This sequence change replaces arginine, which is basic and polar, with tryptophan, which is neutral and slightly polar, at codon 76 of the NDUFS7 protein (p.Arg76Trp).